The following is an entry in ClinVar:

ClinVar aggregate classification (germline): Pathogenic (1 of 4 stars; one submission).

Conditions:
Citrin deficiency. Identifiers: Orphanet 247582, MedGen C1997910, MONDO:0016602.

gnomAD v4.1: 1 of 1,589,376 alleles (0.000063%); highest among the groups gnomAD compares: Non-Finnish European, 0.000086%; no homozygotes.

Submission:

Labcorp Genetics (formerly Invitae), Labcorp
Classification: Pathogenic for Citrin deficiency. Last evaluated: 2020-11-13. Review status: criteria provided, single submitter. Criteria: Invitae Variant Classification Sherloc (09022015). Collection method: clinical testing. Allele origin: germline.
Comment: For these reasons, this variant has been classified as Pathogenic. This sequence change affects a donor splice site in intron 8 of the SLC25A13 gene. It is expected to disrupt RNA splicing. Variants that disrupt the donor or acceptor splice site typically lead to a loss of protein function (PMID: 16199547), and loss-of-function variants in SLC25A13 are known to be pathogenic (PMID: 10369257, 14680984, 27405544). This variant is not present in population databases (ExAC no frequency). Disruption of this splice site has been observed in individual(s) with citrin deficiency (PMID: 27405544). In at least one individual the data is consistent with the variant being in trans (on the opposite chromosome) from a pathogenic variant. Algorithms developed to predict the effect of sequence changes on RNA splicing suggest that this variant may disrupt the consensus splice site, but this prediction has not been confirmed by published transcriptional studies.

Literature cited by the submitters: PubMed 16199547; PubMed 10369257; PubMed 14680984; PubMed 27405544.

NM_014251.3(SLC25A13):c.848+1G>A

Gene: SLC25A13 (solute carrier family 25 member 13; minus strand). Cytogenetic location: 7q21.3.
Variant type: single nucleotide variant.
Coding change: c.848+1G>A on transcript NM_014251.3 (MANE Select); the canonical splice donor site of the intron after coding-DNA position 848, G replaced by A.
Molecular consequence: splice donor variant.
Genome position (GRCh38, 1-based): chr7:96,189,580, C>T on the plus strand (G>A on the coding strand, the complement: SLC25A13 is on the minus strand). VCF-style: chr7-96189580-C-T. GRCh37 (hg19) VCF-style: chr7-95818892-C-T.
Other names: c.848+1G>A (NM_001160210.2).
Identifiers: ClinVar variation 1401121 (VCV001401121.8), dbSNP rs761370420, ClinGen allele CA368262520.